The following is an entry in ClinVar:

ClinVar aggregate classification (germline): Uncertain significance (1 of 4 stars; one submission).

Conditions:
Developmental and epileptic encephalopathy, 12 (DEE12). Identifiers: MedGen C3150988, MONDO:0013389, OMIM 613722.

Allele frequency attached by ClinVar (database versions not stated): gnomAD exomes below 0.00001.
gnomAD v4.1: 2 of 1,614,032 alleles (0.00012%); highest among the groups gnomAD compares: Admixed American, 0.0017%; no homozygotes.

Submission:

Labcorp Genetics (formerly Invitae), Labcorp
Classification: Uncertain significance for Developmental and epileptic encephalopathy, 12. Last evaluated: 2022-10-14. Review status: criteria provided, single submitter. Criteria: Invitae Variant Classification Sherloc (09022015). Collection method: clinical testing. Allele origin: germline.
Comment: Advanced modeling of protein sequence and biophysical properties (such as structural, functional, and spatial information, amino acid conservation, physicochemical variation, residue mobility, and thermodynamic stability) performed at Invitae indicates that this missense variant is not expected to disrupt PNKP protein function. In summary, the available evidence is currently insufficient to determine the role of this variant in disease. Therefore, it has been classified as a Variant of Uncertain Significance. ClinVar contains an entry for this variant (Variation ID: 1482035). This variant has not been reported in the literature in individuals affected with PNKP-related conditions. This variant is not present in population databases (gnomAD no frequency). This sequence change replaces tryptophan, which is neutral and slightly polar, with cysteine, which is neutral and slightly polar, at codon 506 of the PNKP protein (p.Trp506Cys).

NM_007254.4(PNKP):c.1518G>C (p.Trp506Cys)

Gene: PNKP (polynucleotide kinase 3'-phosphatase; minus strand). Cytogenetic location: 19q13.33.
Variant type: single nucleotide variant.
Coding change: c.1518G>C on transcript NM_007254.4 (MANE Select); coding-DNA position 1518, G replaced by C.
Protein change: p.Trp506Cys; replaces tryptophan 506 with cysteine.
Molecular consequence: missense variant.
Genome position (GRCh38, 1-based): chr19:49,861,296, C>G on the plus strand (G>C on the coding strand, the complement: PNKP is on the minus strand). VCF-style: chr19-49861296-C-G. GRCh37 (hg19) VCF-style: chr19-50364553-C-G.
Other names: short protein forms W506C.
Identifiers: ClinVar variation 1482035 (VCV001482035.8), dbSNP rs2122315682, ClinGen allele CA406932437.
Genomic context (GRCh38, chr19:49,861,296, plus strand): 5'-GCTGGGCGGGGCTCAGCCCTCGGAGAACTGGCAGTACAGCCGCCCCAGCCTCGGCTCCAC[C>G]CATAGCCGGAACGGGATCTCCAGGATGGCAGAGAAGCCTTCAGCCAGCGTTGGGGCCTCG-3'
Protein context (NP_009185.2, residues 496-516): SAILEIPFRL[Trp506Cys]VEPRLGRLYC